The following is an entry in ClinVar:

NM_016169.4(SUFU):c.436C>T (p.Arg146Ter)

Gene: SUFU (SUFU negative regulator of hedgehog signaling; plus strand). Cytogenetic location: 10q24.32.
Variant type: single nucleotide variant.
Coding change: c.436C>T on transcript NM_016169.4 (MANE Select); coding-DNA position 436, C replaced by T.
Protein change: p.Arg146Ter; replaces arginine 146 with a stop codon.
Molecular consequence: nonsense.
Genome position (GRCh38, 1-based): chr10:102,550,088, C>T. VCF-style: chr10-102550088-C-T. GRCh37 (hg19) VCF-style: chr10-104309845-C-T.
Other names: c.436C>T, p.Arg146Ter (NM_001178133.2); short protein forms R146*.
Identifiers: ClinVar variation 406388 (VCV000406388.25), dbSNP rs1060501109, ClinGen allele CA16612979.

ClinVar aggregate classification (germline): Pathogenic. Review status: criteria provided, multiple submitters, no conflicts (2 of 4 stars). 5 submissions from 5 submitters: Pathogenic (5). Last evaluated 2025-06-05.

Conditions:
Basal cell nevus syndrome 2 (BCNS2). Also called: NEVOID BASAL CELL CARCINOMA SYNDROME 2. Identifiers: MedGen C5830451, MONDO:0958189, OMIM 620343.
Medulloblastoma (MDB). Also called: Medulloblastoma, somatic; MEDULLOBLASTOMA PREDISPOSITION SYNDROME. Identifiers: Orphanet 616, MedGen C0025149, MeSH D008527, MONDO:0007959, OMIM 155255, HP:0002885.
Gorlin syndrome. Also called: Nevoid Basal Cell Carcinoma Syndrome; Basal cell nevus syndrome. Identifiers: Orphanet 377, MedGen C0004779, MONDO:0007187.
Hereditary cancer-predisposing syndrome. Also called: Tumor predisposition; Neoplastic Syndromes, Hereditary; Hereditary Cancer Syndrome; Hereditary neoplastic syndrome. Identifiers: Orphanet 140162, MedGen C0027672, MeSH D009386, MONDO:0015356.

Allele frequency attached by ClinVar (database versions not stated): TOPMed below 0.00001; gnomAD 0.00001.
gnomAD v4.1: 2 of 1,614,048 alleles (0.00012%); highest among the groups gnomAD compares: African/African-American, 0.0013%; no homozygotes.

Submissions (5):

Labcorp Genetics (formerly Invitae), Labcorp
Classification: Pathogenic for Gorlin syndrome; Medulloblastoma. Last evaluated: 2025-06-05. Review status: criteria provided, single submitter. Criteria: Invitae Variant Classification Sherloc (09022015). Collection method: clinical testing. Allele origin: germline.
Comment: This sequence change creates a premature translational stop signal (p.Arg146*) in the SUFU gene. It is expected to result in an absent or disrupted protein product. Loss-of-function variants in SUFU are known to be pathogenic (PMID: 22508808, 25403219, 33024317). This variant is present in population databases (no rsID available, gnomAD 0.01%). This premature translational stop signal has been observed in individual(s) with medulloblastoma (PMID: 29753700). ClinVar contains an entry for this variant (Variation ID: 406388). For these reasons, this variant has been classified as Pathogenic.

Ambry Genetics
Classification: Pathogenic for Hereditary cancer-predisposing syndrome. Last evaluated: 2024-04-15. Review status: criteria provided, single submitter. Criteria: Ambry Variant Classification Scheme 2023. Collection method: clinical testing. Allele origin: germline.
Comment: The p.R146* pathogenic mutation (also known as c.436C>T), located in coding exon 3 of the SUFU gene, results from a C to T substitution at nucleotide position 436. This changes the amino acid from an arginine to a stop codon within coding exon 3. This alteration is expected to result in loss of function by premature protein truncation or nonsense-mediated mRNA decay. As such, this alteration is interpreted as a disease-causing mutation.

Institute for Genomic Medicine (IGM) Clinical Laboratory, Nationwide Children's Hospital
Classification: Pathogenic for Basal cell nevus syndrome 2. Last evaluated: 2023-02-15. Review status: criteria provided, single submitter. Criteria: ACMG Guidelines, 2015. Collection method: clinical testing. Allele origin: germline.
Comment: This variant is predicted to result in loss of function through nonsense-mediated decay of the encoded transcript or premature truncation of the encoded protein in a gene in which loss of function is a known mechanism of disease (ACMG/AMP: PVS1; PMIDs:17452975, 22508808, 25403219, 29186568, 29725392). Well-established functional studies have demonstrated this variant to have a damaging effect on protein function or splicing (ACMG/AMP: PS3_Supporting; PMID:25760946). This variant has been reported at an elevated frequency in affected individuals/in multiple affected individuals in the literature (ACMG/AMP: PS4_Supporting; PMID:29706825). This variant is absent from or present at an exceedingly low frequency in gnomAD, a large-scale control population database (ACMG/AMP: PM2).

Revvity Omics, Revvity
Classification: Pathogenic. Last evaluated: 2023-02-10. Review status: criteria provided, single submitter. Criteria: ACMG Guidelines, 2015. Collection method: clinical testing. Allele origin: germline.

GeneDx
Classification: Pathogenic. Last evaluated: 2022-08-29. Review status: criteria provided, single submitter. Criteria: GeneDx Variant Classification Process June 2021. Collection method: clinical testing. Allele origin: germline. Affected: yes.
Comment: Nonsense variant predicted to result in protein truncation or nonsense mediated decay in a gene for which loss-of-function is a known mechanism of disease; Published functional studies of a deletion resulting in the same protein effect (R146*) demonstrate a damaging effect: unable to repress transcriptional activation and no Gli3 expression when studied in the homozygous state (Makino et al., 2015); Not observed at significant frequency in large population cohorts (gnomAD); This variant is associated with the following publications: (PMID: 25760946, 24686850, 25151357, 29706825, 31589614, 29753700)

Literature cited by the submitters: PubMed 22508808 (cited by Labcorp Genetics (formerly Invitae), Labcorp and Institute for Genomic Medicine (IGM) Clinical Laboratory, Nationwide Children's Hospital); PubMed 25403219 (cited by Labcorp Genetics (formerly Invitae), Labcorp and Institute for Genomic Medicine (IGM) Clinical Laboratory, Nationwide Children's Hospital); PubMed 33024317 (cited by Labcorp Genetics (formerly Invitae), Labcorp); PubMed 29753700 (cited by Labcorp Genetics (formerly Invitae), Labcorp); PubMed 17452975 (cited by Institute for Genomic Medicine (IGM) Clinical Laboratory, Nationwide Children's Hospital); PubMed 29186568 (cited by Institute for Genomic Medicine (IGM) Clinical Laboratory, Nationwide Children's Hospital); PubMed 29725392 (cited by Institute for Genomic Medicine (IGM) Clinical Laboratory, Nationwide Children's Hospital); PubMed 25760946 (cited by Institute for Genomic Medicine (IGM) Clinical Laboratory, Nationwide Children's Hospital); PubMed 29706825 (cited by Institute for Genomic Medicine (IGM) Clinical Laboratory, Nationwide Children's Hospital).